The following is an entry in ClinVar:

NM_205850.3(SLC24A5):c.591-1G>A

Genes: SLC24A5 (solute carrier family 24 member 5; plus strand), MYEF2 (myelin expression factor 2; minus strand). Cytogenetic location: 15q21.1.
Variant type: single nucleotide variant.
Coding change: c.591-1G>A on transcript NM_205850.3 (MANE Select); the canonical splice acceptor site of the intron before coding-DNA position 591, G replaced by A.
Molecular consequence: splice acceptor variant. On other transcripts: 3 prime UTR variant (2).
Genome position (GRCh38, 1-based): chr15:48,136,682, G>A. VCF-style: chr15-48136682-G-A. GRCh37 (hg19) VCF-style: chr15-48428879-G-A.
Other names: c.*6226C>T (NM_001301210.2, NM_016132.5).
Identifiers: ClinVar variation 1515737 (VCV001515737.6), dbSNP rs2140740334, ClinGen allele CA392451133.

ClinVar aggregate classification (germline): Likely pathogenic (1 of 4 stars; one submission).

Allele frequency attached by ClinVar (database versions not stated): gnomAD exomes below 0.00001.
gnomAD v4.1: 1 of 1,586,676 alleles (0.000063%); highest among the groups gnomAD compares: Non-Finnish European, 0.000086%; no homozygotes.

Submission:

Labcorp Genetics (formerly Invitae), Labcorp
Classification: Likely pathogenic. Last evaluated: 2023-06-13. Review status: criteria provided, single submitter. Criteria: Invitae Variant Classification Sherloc (09022015). Collection method: clinical testing. Allele origin: germline.
Comment: In summary, the currently available evidence indicates that the variant is pathogenic, but additional data are needed to prove that conclusively. Therefore, this variant has been classified as Likely Pathogenic. Algorithms developed to predict the effect of sequence changes on RNA splicing suggest that this variant may disrupt the consensus splice site. ClinVar contains an entry for this variant (Variation ID: 1515737). This variant has not been reported in the literature in individuals affected with SLC24A5-related conditions. This variant is not present in population databases (gnomAD no frequency). This sequence change affects an acceptor splice site in intron 5 of the SLC24A5 gene. It is expected to disrupt RNA splicing. Variants that disrupt the donor or acceptor splice site typically lead to a loss of protein function (PMID: 16199547), and loss-of-function variants in SLC24A5 are known to be pathogenic (PMID: 23985994, 26686029).

Literature cited by the submitters: PubMed 16199547; PubMed 23985994; PubMed 26686029.